The following is an entry in ClinVar:

NM_001848.3(COL6A1):c.1555_1556delinsAG (p.Glu519Arg)

Gene: COL6A1 (collagen type VI alpha 1 chain; plus strand). Cytogenetic location: 21q22.3.
Variant type: Indel.
Coding change: c.1555_1556delinsAG on transcript NM_001848.3 (MANE Select); coding-DNA positions 1555 to 1556, GA replaced by AG.
Protein change: p.Glu519Arg; replaces glutamic acid 519 with arginine.
Molecular consequence: missense variant.
Genome position (GRCh38, 1-based): chr21:45,998,151-45,998,152, GA replaced by AG. VCF-style: chr21-45998151-GA-AG. GRCh37 (hg19) VCF-style: chr21-47418065-GA-AG.
Other names: short protein forms E519R.
Identifiers: ClinVar variation 3008010 (VCV003008010.3), dbSNP rs2526338483, ClinGen allele CA2740094758.
Genomic context (GRCh38, chr21:45,998,151, plus strand): 5'-CGCACGGTGACGGCTACTCTGCTCCCCCAGGGAGAAGACGGCCCCGCTGGAAATGGCACC[GA>AG]GGGCTTCCCCGGCTTCCCCGTAAGTGTCCGGAGGCTGAGCCCACAGGAACATGCCCAAGC-3'
Protein context (NP_001839.2, residues 509-529): GEDGPAGNGT[Glu519Arg]GFPGFPGYPG

ClinVar aggregate classification (germline): Uncertain significance (1 of 4 stars; one submission).

Conditions:
Bethlem myopathy 1A. Also called: MYOPATHY, BENIGN CONGENITAL, WITH CONTRACTURES; Bethlem myopathy 1; Bethlem Muscular Dystrophy. Identifiers: Orphanet 610, MedGen CN029274, MONDO:0024530, OMIM 158810.

Submission:

Labcorp Genetics (formerly Invitae), Labcorp
Classification: Uncertain significance for Bethlem myopathy 1A. Last evaluated: 2023-03-20. Review status: criteria provided, single submitter. Criteria: Invitae Variant Classification Sherloc (09022015). Collection method: clinical testing. Allele origin: germline.
Comment: This sequence change replaces glutamic acid, which is acidic and polar, with arginine, which is basic and polar, at codon 519 of the COL6A1 protein (p.Glu519Arg). Information on the frequency of this variant in the gnomAD database is not available, as this variant may be reported differently in the database. This variant has not been reported in the literature in individuals affected with COL6A1-related conditions. An algorithm developed to predict the effect of missense changes on protein structure and function (PolyPhen-2) suggests that this variant is likely to be disruptive. In summary, the available evidence is currently insufficient to determine the role of this variant in disease. Therefore, it has been classified as a Variant of Uncertain Significance.